The following is an entry in ClinVar:

ClinVar aggregate classification (germline): Uncertain significance (1 of 4 stars; one submission).

Conditions:
Congenital contractural arachnodactyly (CCA). Also called: BEALS SYNDROME; Beals-Hecht syndrome; Arthrogryposis, distal, type 9. Identifiers: Orphanet 115, MedGen C0220668, MONDO:0007363, OMIM 121050.

gnomAD v4.1: 1 of 1,614,058 alleles (0.000062%); no homozygotes.

Submission:

Labcorp Genetics (formerly Invitae), Labcorp
Classification: Uncertain significance for Congenital contractural arachnodactyly. Last evaluated: 2019-01-08. Review status: criteria provided, single submitter. Criteria: Invitae Variant Classification Sherloc (09022015). Collection method: clinical testing. Allele origin: germline.
Comment: In summary, the available evidence is currently insufficient to determine the role of this variant in disease. Therefore, it has been classified as a Variant of Uncertain Significance. Algorithms developed to predict the effect of missense changes on protein structure and function are either unavailable or do not agree on the potential impact of this missense change (SIFT: "Deleterious"; PolyPhen-2: "Benign"; Align-GVGD: "Class C35"). This variant has not been reported in the literature in individuals with FBN2-related conditions. This variant is not present in population databases (ExAC no frequency). This sequence change replaces glutamic acid with aspartic acid at codon 1147 of the FBN2 protein (p.Glu1147Asp). The glutamic acid residue is highly conserved and there is a small physicochemical difference between glutamic acid and aspartic acid.

NM_001999.4(FBN2):c.3441A>C (p.Glu1147Asp)

Gene: FBN2 (fibrillin 2; minus strand). Cytogenetic location: 5q23.3.
Variant type: single nucleotide variant.
Coding change: c.3441A>C on transcript NM_001999.4 (MANE Select); coding-DNA position 3441, A replaced by C.
Protein change: p.Glu1147Asp; replaces glutamic acid 1147 with aspartic acid.
Molecular consequence: missense variant.
Genome position (GRCh38, 1-based): chr5:128,338,964, T>G on the plus strand (A>C on the coding strand, the complement: FBN2 is on the minus strand). VCF-style: chr5-128338964-T-G. GRCh37 (hg19) VCF-style: chr5-127674656-T-G.
Other names: short protein forms E1147D.
Identifiers: ClinVar variation 860914 (VCV000860914.10), dbSNP rs1750918059, ClinGen allele CA360759878.